The following is an entry in ClinVar:

NM_001033855.3(DCLRE1C):c.1616A>G (p.Gln539Arg)

Gene: DCLRE1C (DNA cross-link repair 1C; minus strand). Cytogenetic location: 10p13.
Variant type: single nucleotide variant.
Coding change: c.1616A>G on transcript NM_001033855.3 (MANE Select); coding-DNA position 1616, A replaced by G.
Protein change: p.Gln539Arg; replaces glutamine 539 with arginine.
Molecular consequence: missense variant. On other transcripts: non-coding transcript variant (4).
Genome position (GRCh38, 1-based): chr10:14,908,871, T>C on the plus strand (A>G on the coding strand, the complement: DCLRE1C is on the minus strand). VCF-style: chr10-14908871-T-C. GRCh37 (hg19) VCF-style: chr10-14950870-T-C.
Other names: c.1256A>G, p.Gln419Arg (NM_001033857.3, NM_001033858.3, NM_001289077.2 and 2 more transcripts); c.1271A>G, p.Gln424Arg (NM_001289076.2, NM_001289078.2, NM_001350966.2 and 1 more transcripts); c.1616A>G, p.Gln539Arg (NM_001350965.2); short protein forms Q419R, Q424R, Q539R.
Identifiers: ClinVar variation 1011447 (VCV001011447.7), dbSNP rs1331013284, ClinGen allele CA376075202.
Genomic context (GRCh38, chr10:14,908,871, plus strand): 5'-AAAACAGTATCAGATTGGCTGTCCCAGCCTTGACTTCCTTGTTCTGTTATGTGTGTTGAC[T>C]GGGAAGAATTCTGGGAGGAGATGTGAGTTGATTCTCCATCAGAGTCACTGAAAAGCTTTG-3'
Protein context (NP_001029027.1, residues 529-549): STHISSQNSS[Gln539Arg]STHITEQGSQ

ClinVar aggregate classification (germline): Uncertain significance. Review status: criteria provided, multiple submitters, no conflicts (2 of 4 stars). 2 submissions from 2 submitters: Uncertain significance (2). Last evaluated 2021-09-02.

Conditions:
Severe combined immunodeficiency due to DCLRE1C deficiency (RS-SCID). Also called: SCID, AUTOSOMAL RECESSIVE, T CELL-NEGATIVE, B CELL-NEGATIVE, NK CELL-POSITIVE, WITH SENSITIVITY TO IONIZING RADIATION. Identifiers: Orphanet 275, MedGen C1865371, MONDO:0011225, OMIM 602450.

Allele frequency attached by ClinVar (database versions not stated): TOPMed below 0.00001; gnomAD exomes 0.00001.
gnomAD v4.1: 7 of 1,614,216 alleles (0.00043%); highest among the groups gnomAD compares: Non-Finnish European, 0.00051%; no homozygotes.

Submissions (2):

Labcorp Genetics (formerly Invitae), Labcorp
Classification: Uncertain significance for Athabaskan severe combined immunodeficiency. Last evaluated: 2021-09-02. Review status: criteria provided, single submitter. Criteria: Invitae Variant Classification Sherloc (09022015). Collection method: clinical testing. Allele origin: germline.
Comment: This sequence change replaces glutamine with arginine at codon 539 of the DCLRE1C protein (p.Gln539Arg). The glutamine residue is moderately conserved and there is a small physicochemical difference between glutamine and arginine. This variant is not present in population databases (ExAC no frequency). This variant has not been reported in the literature in individuals affected with DCLRE1C-related conditions. Algorithms developed to predict the effect of missense changes on protein structure and function are either unavailable or do not agree on the potential impact of this missense change (SIFT: "Tolerated"; PolyPhen-2: "Probably Damaging"; Align-GVGD: "Class C0"). In summary, the available evidence is currently insufficient to determine the role of this variant in disease. Therefore, it has been classified as a Variant of Uncertain Significance.

Blueprint Genetics
Classification: Uncertain significance. Last evaluated: 2019-04-24. Review status: criteria provided, single submitter. Criteria: ACMG Guidelines, 2015. Collection method: clinical testing. Allele origin: germline.